The following is an entry in ClinVar:

NM_005228.5(EGFR):c.3485G>A (p.Ser1162Asn)

Gene: EGFR (epidermal growth factor receptor; plus strand). Cytogenetic location: 7p11.2.
Variant type: single nucleotide variant.
Coding change: c.3485G>A on transcript NM_005228.5 (MANE Select); coding-DNA position 3485, G replaced by A.
Protein change: p.Ser1162Asn; replaces serine 1162 with asparagine.
Molecular consequence: missense variant.
Genome position (GRCh38, 1-based): chr7:55,205,469, G>A. VCF-style: chr7-55205469-G-A. GRCh37 (hg19) VCF-style: chr7-55273162-G-A.
Other names: c.3350G>A, p.Ser1117Asn (NM_001346899.2); c.3326G>A, p.Ser1109Asn (NM_001346900.2); c.2684G>A, p.Ser895Asn (NM_001346941.2); short protein forms S1162N, S895N, S1109N, S1117N.
Identifiers: ClinVar variation 134031 (VCV000134031.21), dbSNP rs41321844, ClinGen allele CA158471.
Genomic context (GRCh38, chr7:55,205,469, plus strand): 5'-TCCAGCCCACCTGTGTCAACAGCACATTCGACAGCCCTGCCCACTGGGCCCAGAAAGGCA[G>A]CCACCAAATTAGCCTGGACAACCCTGACTACCAGCAGGACTTCTTTCCCAAGGAAGCCAA-3'
Protein context (NP_005219.2, residues 1152-1172): DSPAHWAQKG[Ser1162Asn]HQISLDNPDY

ClinVar aggregate classification (germline): Benign/Likely benign. Review status: criteria provided, multiple submitters, no conflicts (2 of 4 stars). 5 submissions from 5 submitters: Benign (2); Likely benign (2). 1 of the submissions does not count toward it. Last evaluated 2026-02-03.

Conditions:
Inflammatory skin and bowel disease, neonatal, 2 (NNCIS). Identifiers: Orphanet 294023, MedGen C4015130, MONDO:0014481, OMIM 616069.
Lung cancer. Also called: Lung cancer, somatic; Malignant tumor of lung. Identifiers: MedGen C0242379, MONDO:0008903, OMIM 211980.
Hereditary cancer-predisposing syndrome. Also called: Tumor predisposition; Hereditary neoplastic syndrome; Neoplastic Syndromes, Hereditary; Hereditary Cancer Syndrome. Identifiers: Orphanet 140162, MedGen C0027672, MeSH D009386, MONDO:0015356.
EGFR-related lung cancer (EGFR). Identifiers: MedGen CN130014.

Allele frequency attached by ClinVar (database versions not stated): gnomAD exomes 0.00034 and 0.00088; ExAC 0.00087; gnomAD 0.00342 and 0.00362; ESP Exome Variant Server 0.00361; TOPMed 0.00378; 1000 Genomes Project 30x 0.00390; 1000 Genomes Project 0.00399.
gnomAD v4.1: 1,033 of 1,614,152 alleles (0.064%); highest among the groups gnomAD compares: African/African-American, 1.2%; 6 homozygotes.

Submissions (5):

Labcorp Genetics (formerly Invitae), Labcorp
Classification: Benign for EGFR-related lung cancer. Last evaluated: 2026-02-03. Review status: criteria provided, single submitter. Criteria: Invitae Variant Classification Sherloc (09022015). Collection method: clinical testing. Allele origin: germline.

CeGaT Center for Human Genetics Tuebingen
Classification: Likely benign. Last evaluated: 2025-04-01. Review status: criteria provided, single submitter. Criteria: CeGaT Center For Human Genetics Tuebingen Variant Classification Criteria Version 2. Collection method: clinical testing. Allele origin: germline. Affected: yes. Observed: 2 variant alleles.
Comment: EGFR: BP4, BS1

Ambry Genetics
Classification: Benign for Hereditary cancer-predisposing syndrome. Last evaluated: 2024-10-28. Review status: criteria provided, single submitter. Criteria: Ambry Variant Classification Scheme 2023. Collection method: clinical testing. Allele origin: germline.

Fulgent Genetics
Classification: Likely benign for Lung cancer; Inflammatory skin and bowel disease, neonatal, 2. Last evaluated: 2022-03-14. Review status: criteria provided, single submitter. Criteria: ACMG Guidelines, 2015. Collection method: clinical testing. Allele origin: unknown.

ITMI
No classification provided. Condition: AllHighlyPenetrant. Last evaluated: 2013-09-19. Review status: no classification provided. Collection method: reference population. Allele origin: germline. Not counted in ClinVar's aggregate classification.
Comment: Please see associated publication for description of ethnicities

Literature cited by the submitters: PubMed 24728327 (cited by ITMI).